The following is an entry in ClinVar:

ClinVar aggregate classification (germline): Pathogenic/Likely pathogenic. Review status: criteria provided, multiple submitters, no conflicts (2 of 4 stars). 7 submissions from 7 submitters: Pathogenic (5); Likely pathogenic (1). 1 of the submissions does not count toward it. Last evaluated 2026-02-04.

Conditions:
ERCC4-related disorder. Also called: ERCC4-related condition.
Xeroderma pigmentosum, group F (XPF). Also called: XERODERMA PIGMENTOSUM VI; XP, GROUP F; XERODERMA PIGMENTOSUM, TYPE F; Xeroderma pigmentosum, type 6; XERODERMA PIGMENTOSUM, COMPLEMENTATION GROUP F; ERCC4-Related Xeroderma Pigmentosum. Identifiers: MedGen C0268140, MONDO:0010215, OMIM 278760.
Fanconi anemia complementation group Q. Identifiers: Orphanet 84, MedGen C3808988, MONDO:0014108, OMIM 615272.
Cockayne syndrome. Identifiers: Orphanet 191, MedGen C0009207, MONDO:0016006.
Autosomal recessive cerebellar ataxia. Also called: Spinocerebellar Ataxia, Recessive; Spinocerebellar ataxia, autosomal recessive. Identifiers: Orphanet 1172, MedGen C5575375, MONDO:0015244.
XFE progeroid syndrome (XFEPS). Also called: XPF-ERCC1 PROGEROID SYNDROME. Identifiers: MedGen C1970416, MONDO:0012590, OMIM 610965.
Xeroderma pigmentosum, type F/Cockayne syndrome. Identifiers: MedGen C3806565, MONDO:0800313.
Xeroderma pigmentosum (XP). Identifiers: Orphanet 910, MedGen C0043346, MONDO:0019600.

Allele frequency attached by ClinVar (database versions not stated): ESP Exome Variant Server 0.00015; TOPMed 0.00006; ExAC 0.00007.
gnomAD v4.1: 209 of 1,613,958 alleles (0.013%); highest among the groups gnomAD compares: Admixed American, 0.017%; no homozygotes.

Submissions (7):

Labcorp Genetics (formerly Invitae), Labcorp
Classification: Pathogenic for Fanconi anemia complementation group Q; Xeroderma pigmentosum, group F; Cockayne syndrome. Last evaluated: 2026-02-04. Review status: criteria provided, single submitter. Criteria: Invitae Variant Classification Sherloc (09022015). Collection method: clinical testing. Allele origin: germline.
Comment: This sequence change replaces arginine, which is basic and polar, with tryptophan, which is neutral and slightly polar, at codon 589 of the ERCC4 protein (p.Arg589Trp). This variant is present in population databases (rs147105770, gnomAD 0.02%). This missense change has been observed in individual(s) with xeroderma pigmentosa (PMID: 20221251, 21612988, 23623389, 26074087, 26884178, 29325523, 29892709). In at least one individual the data is consistent with being in trans (on the opposite chromosome) from a pathogenic variant. ClinVar contains an entry for this variant (Variation ID: 55829). Invitae Evidence Modeling of protein sequence and biophysical properties (such as structural, functional, and spatial information, amino acid conservation, physicochemical variation, residue mobility, and thermodynamic stability) indicates that this missense variant is expected to disrupt ERCC4 protein function with a positive predictive value of 80%. Experimental studies have shown that this missense change affects ERCC4 function (PMID: 26453996, 30165384). For these reasons, this variant has been classified as Pathogenic.

Institute of Medical Genetics and Applied Genomics, University Hospital Tübingen
Classification: Pathogenic for Autosomal recessive cerebellar ataxia. Last evaluated: 2025-06-25. Review status: criteria provided, single submitter. Criteria: ACMG Guidelines, 2015. Collection method: clinical testing. Allele origin: germline. Inheritance: Autosomal recessive inheritance. Affected: yes.

PreventionGenetics, part of Exact Sciences
Classification: Pathogenic for ERCC4-related condition. Last evaluated: 2025-01-08. Review status: criteria provided, single submitter. Criteria: ACMG Guidelines, 2015. Collection method: clinical testing. Allele origin: germline.
Comment: The ERCC4 c.1765C>T variant is predicted to result in the amino acid substitution p.Arg589Trp. This variant has been reported in the heterozygous state along with a second ERCC4 variant in individuals with autosomal recessive xeroderma pigmentosum type F, Cockayne syndrome, and Fanconi anemia (Table 1, Ahmad et al. 2010. PubMed ID: 20221251; Table 2, Kashiyama et al. 2013. PubMed ID: 23623389; Popp et al. 2018. PubMed ID: 29325523; Table 1, Shanbhag et al. 2018. PubMed ID: 29892709; Table 1, Sabatella et al. 2018. PubMed ID: 30165384). In vitro experimental studies suggest this variant impacts protein function (Table 1, Ahmad et al. 2010. PubMed ID: 20221251; Table 2, Kashiyama et al. 2013. PubMed ID: 23623389; Popp et al. 2018. PubMed ID: 29325523). This variant is reported in 0.017% of alleles in individuals of Latino descent in gnomAD and is interpreted as pathogenic and likely pathogenic in ClinVar. This variant is interpreted as pathogenic.

Women's Health and Genetics/Laboratory Corporation of America, LabCorp
Classification: Pathogenic for Xeroderma pigmentosum. Last evaluated: 2022-03-04. Review status: criteria provided, single submitter. Criteria: LabCorp Variant Classification Summary - May 2015. Collection method: clinical testing. Allele origin: germline.
Comment: Variant summary: ERCC4 c.1765C>T (p.Arg589Trp) results in a non-conservative amino acid change in the encoded protein sequence. Five of five in-silico tools predict a damaging effect of the variant on protein function. The variant allele was found at a frequency of 6.4e-05 in 249106 control chromosomes (gnomAD). This frequency is not higher than the estimated maximum expected for a pathogenic variant in ERCC4 causing Xeroderma Pigmentosum (6.4e-05 vs 0.00019), allowing no conclusion about variant significance. The variant, c.1765C>T, has been reported in the literature in multiple individuals affected with Xeroderma Pigmentosum (e.g. Ahmad_2010, Gregg_2011, Manandhar_2015, Fassihi_2016, Shanbhag_2018) and some affected individuals also had Fanconi anemia, although with varying severity (e.g. Kashiyama_2013, Popp_2018). These data indicate that the variant is very likely to be associated with disease. Publications also reported experimental evidence evaluating an impact on protein function, and demonstrated disrupted protein-protein interaction with SLX4 (Hashimoto_2015), mislocalization to the cytoplasm and strong hypersensitivity to UV and cross-linking agents in cells transfected with the variant protein (Sabatella_2018). Three clinical diagnostic laboratories have submitted clinical-significance assessments for this variant to ClinVar after 2014 without evidence for independent evaluation. All laboratories classified the variant as pathogenic (n=1) / likely pathogenic (n=2). Based on the evidence outlined above, the variant was classified as pathogenic.

Fulgent Genetics
Classification: Pathogenic for Xeroderma pigmentosum, group F; XFE progeroid syndrome; Fanconi anemia complementation group Q. Last evaluated: 2018-10-31. Review status: criteria provided, single submitter. Criteria: ACMG Guidelines, 2015. Collection method: clinical testing. Allele origin: unknown.

Genetic Services Laboratory, University of Chicago
Classification: Likely pathogenic for Xeroderma pigmentosum, type F/Cockayne syndrome. Last evaluated: 2017-01-19. Review status: criteria provided, single submitter. Criteria: ACMG Guidelines, 2015. Collection method: clinical testing. Allele origin: germline. Affected: yes.

OMIM
Classification: Pathogenic for XERODERMA PIGMENTOSUM, TYPE F/COCKAYNE SYNDROME. Last evaluated: 2013-05-02. Review status: no assertion criteria provided. Collection method: literature only. Allele origin: germline. Not counted in ClinVar's aggregate classification.

Literature cited by the submitters: PubMed 20221251 (cited by Labcorp Genetics (formerly Invitae), Labcorp and Women's Health and Genetics/Laboratory Corporation of America, LabCorp); PubMed 21612988 (cited by 3 submitters); PubMed 23623389 (cited by 3 submitters); PubMed 26074087 (cited by Labcorp Genetics (formerly Invitae), Labcorp and Women's Health and Genetics/Laboratory Corporation of America, LabCorp); PubMed 26884178 (cited by Labcorp Genetics (formerly Invitae), Labcorp and Women's Health and Genetics/Laboratory Corporation of America, LabCorp); PubMed 29325523 (cited by Labcorp Genetics (formerly Invitae), Labcorp and Women's Health and Genetics/Laboratory Corporation of America, LabCorp); PubMed 29892709 (cited by Labcorp Genetics (formerly Invitae), Labcorp and Women's Health and Genetics/Laboratory Corporation of America, LabCorp); PubMed 26453996 (cited by Labcorp Genetics (formerly Invitae), Labcorp and Women's Health and Genetics/Laboratory Corporation of America, LabCorp); PubMed 30165384 (cited by Labcorp Genetics (formerly Invitae), Labcorp and Women's Health and Genetics/Laboratory Corporation of America, LabCorp).

NM_005236.3(ERCC4):c.1765C>T (p.Arg589Trp)

Gene: ERCC4 (ERCC excision repair 4, endonuclease catalytic subunit; plus strand). Cytogenetic location: 16p13.12.
Variant type: single nucleotide variant.
Coding change: c.1765C>T on transcript NM_005236.3 (MANE Select); coding-DNA position 1765, C replaced by T.
Protein change: p.Arg589Trp; replaces arginine 589 with tryptophan.
Molecular consequence: missense variant.
Genome position (GRCh38, 1-based): chr16:13,935,697, C>T. VCF-style: chr16-13935697-C-T. GRCh37 (hg19) VCF-style: chr16-14029554-C-T.
Other names: short protein forms R589W.
Identifiers: ClinVar variation 55829 (VCV000055829.19), dbSNP rs147105770, ClinGen allele CA143941.